The following is an entry in ClinVar:

ClinVar aggregate classification (germline): Conflicting classifications of pathogenicity. Review status: criteria provided, conflicting classifications (1 of 4 stars). 3 submissions from 3 submitters: Likely pathogenic (1); Uncertain significance (1). 1 of the submissions does not count toward it. Last evaluated 2025-07-30.

Conditions:
Finnish congenital nephrotic syndrome (NPHS1). Also called: NEPHROTIC SYNDROME, TYPE 1. Identifiers: Orphanet 839, MedGen C0403399, MONDO:0009732, OMIM 256300.

Submissions (3):

Women's Health and Genetics/Laboratory Corporation of America, LabCorp
Classification: Uncertain significance. Last evaluated: 2025-07-30. Review status: criteria provided, single submitter. Criteria: LabCorp Variant Classification Summary - May 2015. Collection method: clinical testing. Allele origin: germline.
Comment: Variant summary: NPHS1 c.1570G>A (p.Ala524Thr) results in a non-conservative amino acid change located in the Immunoglobulin subtype 2 domain (IPR003598) of the encoded protein sequence. Algorithms developed to predict the effect of missense changes on protein structure and function all suggest that this variant is likely to be disruptive. The frequency data for this variant in gnomAD is considered unreliable, as metrics indicate poor data quality at this position. c.1570G>A has been observed in individual(s) affected with Nephrotic Syndrome, Type 1 (Wang_2017, internal testing). These data indicate that the variant may be associated with disease. To our knowledge, no experimental evidence demonstrating an impact on protein function has been reported. The following publication has been ascertained in the context of this evaluation (PMID: 28204945). ClinVar contains an entry for this variant (Variation ID: 2138281). Based on the evidence outlined above, the variant was classified as VUS-possibly pathogenic.

Labcorp Genetics (formerly Invitae), Labcorp
Classification: Likely pathogenic. Last evaluated: 2023-05-12. Review status: criteria provided, single submitter. Criteria: Invitae Variant Classification Sherloc (09022015). Collection method: clinical testing. Allele origin: germline.
Comment: This sequence change replaces alanine, which is neutral and non-polar, with threonine, which is neutral and polar, at codon 524 of the NPHS1 protein (p.Ala524Thr). In summary, the currently available evidence indicates that the variant is pathogenic, but additional data are needed to prove that conclusively. Therefore, this variant has been classified as Likely Pathogenic. Advanced modeling of protein sequence and biophysical properties (such as structural, functional, and spatial information, amino acid conservation, physicochemical variation, residue mobility, and thermodynamic stability) performed at Invitae indicates that this missense variant is expected to disrupt NPHS1 protein function. ClinVar contains an entry for this variant (Variation ID: 2138281). This missense change has been observed in individual(s) with nephrotic syndrome (PMID: 28204945; Invitae). In at least one individual the data is consistent with being in trans (on the opposite chromosome) from a pathogenic variant. This variant is not present in population databases (gnomAD no frequency).

Natera, Inc.
Classification: Uncertain significance for Finnish congenital nephrotic syndrome. Last evaluated: 2025-04-18. Review status: no assertion criteria provided. Collection method: clinical testing. Allele origin: germline. Not counted in ClinVar's aggregate classification.

Literature cited by the submitters: PubMed 28204945 (cited by Women's Health and Genetics/Laboratory Corporation of America, LabCorp and Labcorp Genetics (formerly Invitae), Labcorp).

NM_004646.4(NPHS1):c.1570G>A (p.Ala524Thr)

Gene: NPHS1 (NPHS1 adhesion molecule, nephrin; minus strand). Cytogenetic location: 19q13.12.
Variant type: single nucleotide variant.
Coding change: c.1570G>A on transcript NM_004646.4 (MANE Select); coding-DNA position 1570, G replaced by A.
Protein change: p.Ala524Thr; replaces alanine 524 with threonine.
Molecular consequence: missense variant.
Genome position (GRCh38, 1-based): chr19:35,846,065, C>T on the plus strand (G>A on the coding strand, the complement: NPHS1 is on the minus strand). VCF-style: chr19-35846065-C-T. GRCh37 (hg19) VCF-style: chr19-36336967-C-T.
Other names: short protein forms A524T.
Identifiers: ClinVar variation 2138281 (VCV002138281.7), dbSNP rs2513774296, ClinGen allele CA405400226.